The following is an entry in ClinVar:

ClinVar aggregate classification (germline): Conflicting classifications of pathogenicity. Review status: criteria provided, conflicting classifications (1 of 4 stars). 2 submissions from 2 submitters: Likely pathogenic (1); Uncertain significance (1). Last evaluated 2025-03-11.

Conditions:
Neurofibromatosis, type 1 (NF1). Also called: Neurofibromatosis, type I; Peripheral type neurofibromatosis; VON RECKLINGHAUSEN DISEASE; NEUROFIBROMATOSIS, TYPE I, SOMATIC. Identifiers: Orphanet 636, MedGen C0027831, MONDO:0018975, OMIM 162200. Disease mechanism: loss of function.

Submissions (2):

Labcorp Genetics (formerly Invitae), Labcorp
Classification: Likely pathogenic for Neurofibromatosis, type 1. Last evaluated: 2025-03-11. Review status: criteria provided, single submitter. Criteria: Invitae Variant Classification Sherloc (09022015). Collection method: clinical testing. Allele origin: germline.
Comment: This variant occurs in a non-coding region of the NF1 gene. It does not change the encoded amino acid sequence of the NF1 protein. This variant is not present in population databases (gnomAD no frequency). This variant has been observed in individual(s) with clinical features of neurofibromatosis type I (internal data). In at least one individual the variant was observed to be de novo. ClinVar contains an entry for this variant (Variation ID: 2130037). Experimental studies and prediction algorithms are not available or were not evaluated, and the functional significance of this variant is currently unknown. In summary, the currently available evidence indicates that the variant is pathogenic, but additional data are needed to prove that conclusively. Therefore, this variant has been classified as Likely Pathogenic.

Blueprint Genetics
Classification: Uncertain significance. Last evaluated: 2019-09-25. Review status: criteria provided, single submitter. Criteria: ACMG Guidelines, 2015. Collection method: clinical testing. Allele origin: germline.

NM_001042492.3(NF1):c.-273A>T

Genes: MIR4733HG (MIR4733 host gene; minus strand), NF1 (neurofibromin 1; plus strand), LOC111811965 (NF1 (neurofibromin 1) promoter region; plus strand). Cytogenetic location: 17q11.2.
Variant type: single nucleotide variant.
Coding change: c.-273A>T on transcript NM_001042492.3 (MANE Select); 273 bases upstream of the start codon, A replaced by T.
Molecular consequence: 5 prime UTR variant.
Genome position (GRCh38, 1-based): chr17:31,095,037, A>T. VCF-style: chr17-31095037-A-T. GRCh37 (hg19) VCF-style: chr17-29422055-A-T.
Other names: c.-273A>T (NM_000267.4, NM_001128147.3).
Identifiers: ClinVar variation 2130037 (VCV002130037.5), dbSNP rs2143139374, ClinGen allele CA2580092761.